The following is an entry in ClinVar:

NM_001122764.3(PPOX):c.694G>C (p.Gly232Arg)

Gene: PPOX (protoporphyrinogen oxidase; plus strand). Cytogenetic location: 1q23.3.
Variant type: single nucleotide variant.
Coding change: c.694G>C on transcript NM_001122764.3 (MANE Select); coding-DNA position 694, G replaced by C.
Protein change: p.Gly232Arg; replaces glycine 232 with arginine.
Molecular consequence: missense variant.
Genome position (GRCh38, 1-based): chr1:161,169,070, G>C. VCF-style: chr1-161169070-G-C. GRCh37 (hg19) VCF-style: chr1-161138860-G-C.
Other names: c.694G>C, p.Gly232Arg (NM_000309.5, NM_001365398.1, NM_001365399.1); c.595G>C, p.Gly199Arg (NM_001350128.2); c.286G>C, p.Gly96Arg (NM_001350129.2, NM_001365400.1); c.208G>C, p.Gly70Arg (NM_001350130.2, NM_001350131.2, NM_001365401.1); short protein forms G232R, G70R, G96R, G199R.
Identifiers: ClinVar variation 8693 (VCV000008693.16), dbSNP rs121918323, ClinGen allele CA280980.

ClinVar aggregate classification (germline): Pathogenic. Review status: criteria provided, single submitter (1 of 4 stars). 2 submissions from 2 submitters: Pathogenic (1). 1 of the submissions does not count toward it. Last evaluated 2023-11-03.

Conditions:
Variegate porphyria (VP). Also called: PORPHYRIA, SOUTH AFRICAN TYPE; PROTOPORPHYRINOGEN OXIDASE DEFICIENCY; PPOX DEFICIENCY. Identifiers: Orphanet 79473, MedGen C0162532, MONDO:0008297, OMIM 176200.

Submissions (2):

Labcorp Genetics (formerly Invitae), Labcorp
Classification: Pathogenic. Last evaluated: 2023-11-03. Review status: criteria provided, single submitter. Criteria: Invitae Variant Classification Sherloc (09022015). Collection method: clinical testing. Allele origin: germline.
Comment: This sequence change replaces glycine, which is neutral and non-polar, with arginine, which is basic and polar, at codon 232 of the PPOX protein (p.Gly232Arg). This variant is not present in population databases (gnomAD no frequency). This missense change has been observed in individuals with variegate porphyria (PMID: 8852667, 10486317, 12655566, 18570668). This variant is also known as c.971G>C. ClinVar contains an entry for this variant (Variation ID: 8693). Advanced modeling of protein sequence and biophysical properties (such as structural, functional, and spatial information, amino acid conservation, physicochemical variation, residue mobility, and thermodynamic stability) performed at Invitae indicates that this missense variant is expected to disrupt PPOX protein function with a positive predictive value of 80%. Experimental studies have shown that this missense change affects PPOX function (PMID: 11929051, 21048046). This variant disrupts the p.Gly232 amino acid residue in PPOX. Other variant(s) that disrupt this residue have been observed in individuals with PPOX-related conditions (PMID: 16433813), which suggests that this may be a clinically significant amino acid residue. For these reasons, this variant has been classified as Pathogenic.

OMIM
Classification: Pathogenic for VARIEGATE PORPHYRIA. Last evaluated: 1996-03-01. Review status: no assertion criteria provided. Collection method: literature only. Allele origin: germline. Not counted in ClinVar's aggregate classification.

Literature cited by the submitters: PubMed 8852667 (cited by Labcorp Genetics (formerly Invitae), Labcorp and OMIM); PubMed 10486317 (cited by Labcorp Genetics (formerly Invitae), Labcorp); PubMed 12655566 (cited by Labcorp Genetics (formerly Invitae), Labcorp); PubMed 18570668 (cited by Labcorp Genetics (formerly Invitae), Labcorp); PubMed 11929051 (cited by Labcorp Genetics (formerly Invitae), Labcorp); PubMed 21048046 (cited by Labcorp Genetics (formerly Invitae), Labcorp); PubMed 16433813 (cited by Labcorp Genetics (formerly Invitae), Labcorp).